The following is an entry in ClinVar:

NM_182961.4(SYNE1):c.1622A>G (p.Gln541Arg)

Gene: SYNE1 (spectrin repeat containing nuclear envelope protein 1; minus strand). Cytogenetic location: 6q25.2.
Variant type: single nucleotide variant.
Coding change: c.1622A>G on transcript NM_182961.4 (MANE Select); coding-DNA position 1622, A replaced by G.
Protein change: p.Gln541Arg; replaces glutamine 541 with arginine.
Molecular consequence: missense variant.
Genome position (GRCh38, 1-based): chr6:152,471,607, T>C on the plus strand (A>G on the coding strand, the complement: SYNE1 is on the minus strand). VCF-style: chr6-152471607-T-C. GRCh37 (hg19) VCF-style: chr6-152792742-T-C.
Other names: c.1643A>G, p.Gln548Arg (NM_033071.5); short protein forms Q541R, Q548R.
Identifiers: ClinVar variation 597330 (VCV000597330.11), dbSNP rs532911105, ClinGen allele CA4059367.

ClinVar aggregate classification (germline): Uncertain significance. Review status: criteria provided, multiple submitters, no conflicts (2 of 4 stars). 4 submissions from 4 submitters: Uncertain significance (4). Last evaluated 2022-07-06.

Conditions:
Autosomal recessive ataxia, Beauce type. Also called: Spinocerebellar ataxia, autosomal recessive 8; ATAXIA, RECESSIVE, OF BEAUCE; SYNE1 Deficiency; SYNE1-Related Autosomal Recessive Cerebellar Ataxia. Identifiers: Orphanet 88644, MedGen C1853116, MONDO:0012549, OMIM 610743.
Emery-Dreifuss muscular dystrophy 4, autosomal dominant (EDMD4). Also called: EMERY-DREIFUSS MUSCULAR DYSTROPHY 4 WITH VARIABLE FEATURES. Identifiers: Orphanet 261, MedGen C2751807, MONDO:0013071, OMIM 612998.

Allele frequency attached by ClinVar (database versions not stated): ExAC 0.00003; gnomAD exomes 0.00005 and 0.00001; gnomAD 0.00013 and 0.00014; TOPMed 0.00015; 1000 Genomes Project 30x 0.00031; 1000 Genomes Project 0.00040.
gnomAD v4.1: 37 of 1,613,912 alleles (0.0023%); highest among the groups gnomAD compares: African/African-American, 0.047%; no homozygotes.

Submissions (4):

Labcorp Genetics (formerly Invitae), Labcorp
Classification: Uncertain significance for Emery-Dreifuss muscular dystrophy 4, autosomal dominant; Autosomal recessive ataxia, Beauce type. Last evaluated: 2022-07-06. Review status: criteria provided, single submitter. Criteria: Invitae Variant Classification Sherloc (09022015). Collection method: clinical testing. Allele origin: germline.
Comment: This sequence change replaces glutamine, which is neutral and polar, with arginine, which is basic and polar, at codon 548 of the SYNE1 protein (p.Gln548Arg). This variant is present in population databases (rs532911105, gnomAD 0.06%). This variant has not been reported in the literature in individuals affected with SYNE1-related conditions. ClinVar contains an entry for this variant (Variation ID: 597330). Algorithms developed to predict the effect of missense changes on protein structure and function are either unavailable or do not agree on the potential impact of this missense change (SIFT: "Deleterious"; PolyPhen-2: "Possibly Damaging"; Align-GVGD: "Class C0"). In summary, the available evidence is currently insufficient to determine the role of this variant in disease. Therefore, it has been classified as a Variant of Uncertain Significance.

Revvity Omics, Revvity
Classification: Uncertain significance. Last evaluated: 2020-09-14. Review status: criteria provided, single submitter. Criteria: ACMG Guidelines, 2015. Collection method: clinical testing. Allele origin: germline.

GeneDx
Classification: Uncertain significance. Last evaluated: 2019-12-12. Review status: criteria provided, single submitter. Criteria: GeneDx Variant Classification Process June 2021. Collection method: clinical testing. Allele origin: germline. Affected: yes.
Comment: In silico analysis, which includes protein predictors and evolutionary conservation, supports a deleterious effect; Has not been previously published as pathogenic or benign to our knowledge

Eurofins Ntd Llc (ga)
Classification: Uncertain significance. Last evaluated: 2018-05-30. Review status: criteria provided, single submitter. Criteria: EGL ClinVar v180209 classification definitions. Collection method: clinical testing. Allele origin: germline. Observed: 2 variant alleles, 2 heterozygotes.